The following is an entry in ClinVar:

NM_152564.5(VPS13B):c.6832C>T (p.Arg2278Trp)

Gene: VPS13B (vacuolar protein sorting 13 homolog B; plus strand). Cytogenetic location: 8q22.2.
Variant type: single nucleotide variant.
Coding change: c.6832C>T on transcript NM_152564.5 (MANE Select); coding-DNA position 6832, C replaced by T.
Protein change: p.Arg2278Trp; replaces arginine 2278 with tryptophan.
Molecular consequence: missense variant.
Genome position (GRCh38, 1-based): chr8:99,720,519, C>T. VCF-style: chr8-99720519-C-T. GRCh37 (hg19) VCF-style: chr8-100732747-C-T.
Other names: c.6907C>T, p.Arg2303Trp (NM_017890.5); c.6832C>T (NM_152564.4); short protein forms R2278W, R2303W.
Identifiers: ClinVar variation 835606 (VCV000835606.9), dbSNP rs781460252, ClinGen allele CA4824094.
Genomic context (GRCh38, chr8:99,720,519, plus strand): 5'-ATGTCATCTCCTGTGGAAAAGAATCAGACATTTAAAAGTGAACAAAGTTCAGATGACCTA[C>T]GGACAGGTCTATTTCAGTATGTACAGGATGCTGGTAAGTAGCAACAGACTCAGTATGAGA-3'
Protein context (NP_689777.3, residues 2268-2288): FKSEQSSDDL[Arg2278Trp]TGLFQYVQDA

ClinVar aggregate classification (germline): Uncertain significance. Review status: criteria provided, multiple submitters, no conflicts (2 of 4 stars). 7 submissions from 7 submitters: Uncertain significance (6). 1 of the submissions does not count toward it. Last evaluated 2026-06-16.

Conditions:
VPS13B-related disorder. Also called: VPS13B-related condition.
Cohen syndrome (COH1). Also called: PEPPER SYNDROME; Cutis verticis gyrata, retinitis pigmentosa, and sensorineural deafness. Identifiers: Orphanet 193, MedGen C0265223, MONDO:0008999, OMIM 216550.
Inborn genetic diseases. Identifiers: MedGen C0950123, MeSH D030342.

Allele frequency attached by ClinVar (database versions not stated): gnomAD exomes 0.00002 and 0.00003; ExAC 0.00003; TOPMed 0.00003; gnomAD 0.00004.
gnomAD v4.1: 53 of 1,613,828 alleles (0.0033%); highest among the groups gnomAD compares: East Asian, 0.0045%; no homozygotes.

Submissions (7):

PreventionGenetics, part of Exact Sciences
Classification: Uncertain significance for VPS13B-related condition. Last evaluated: 2026-06-16. Review status: criteria provided, single submitter. Criteria: ACMG Guidelines, 2015. Collection method: clinical testing. Allele origin: germline.
Comment: The VPS13B c.6832C>T variant is predicted to result in the amino acid substitution p.Arg2278Trp. To our knowledge, this variant has not been reported in the literature. This variant is reported in 0.0080% of alleles in individuals of African descent in gnomAD. At this time, the clinical significance of this variant is uncertain due to the absence of conclusive functional and genetic evidence.

Labcorp Genetics (formerly Invitae), Labcorp
Classification: Uncertain significance for Cohen syndrome. Last evaluated: 2025-12-29. Review status: criteria provided, single submitter. Criteria: Invitae Variant Classification Sherloc (09022015). Collection method: clinical testing. Allele origin: germline.
Comment: This sequence change replaces arginine, which is basic and polar, with tryptophan, which is neutral and slightly polar, at codon 2303 of the VPS13B protein (p.Arg2303Trp). This variant is present in population databases (rs781460252, gnomAD 0.008%). This variant has not been reported in the literature in individuals affected with VPS13B-related conditions. ClinVar contains an entry for this variant (Variation ID: 835606). Invitae Evidence Modeling of protein sequence and biophysical properties (such as structural, functional, and spatial information, amino acid conservation, physicochemical variation, residue mobility, and thermodynamic stability) indicates that this missense variant is expected to disrupt VPS13B protein function with a positive predictive value of 80%. In summary, the available evidence is currently insufficient to determine the role of this variant in disease. Therefore, it has been classified as a Variant of Uncertain Significance.

Blueprint Genetics
Classification: Uncertain significance. Last evaluated: 2024-11-07. Review status: criteria provided, single submitter. Criteria: ACMG Guidelines, 2015. Collection method: clinical testing. Allele origin: germline.

3billion
Classification: Uncertain significance for Cohen syndrome. Last evaluated: 2024-06-14. Review status: criteria provided, single submitter. Criteria: ACMG Guidelines, 2015. Collection method: clinical testing. Allele origin: germline. Affected: yes.
Comment: The variant is observed at an extremely low frequency in the gnomAD v4.0.0 dataset (total allele frequency: 0.003%). Predicted Consequence/Location: The majority of the known disease-causing variants of this gene are variants expected to result in premature termination of the protein. In silico tool predictions suggest damaging effect of the variant on gene or gene product [REVEL: 0.65 (>=0.6, sensitivity 0.68 and specificity 0.92); 3Cnet: 0.62 (>=0.6, sensitivity 0.72 and precision 0.9)]. Therefore, this variant is classified as VUS according to the recommendation of ACMG/AMP guideline.

GeneDx
Classification: Uncertain significance. Last evaluated: 2023-01-09. Review status: criteria provided, single submitter. Criteria: GeneDx Variant Classification Process June 2021. Collection method: clinical testing. Allele origin: germline. Affected: yes.
Comment: Not observed at significant frequency in large population cohorts (gnomAD); In silico analysis supports that this missense variant has a deleterious effect on protein structure/function; Has not been previously published as pathogenic or benign to our knowledge

Ambry Genetics
Classification: Uncertain significance for Inborn genetic diseases. Last evaluated: 2021-07-20. Review status: criteria provided, single submitter. Criteria: Ambry Variant Classification Scheme 2023. Collection method: clinical testing. Allele origin: germline.

Natera, Inc.
Classification: Uncertain significance for Cohen syndrome. Last evaluated: 2020-02-13. Review status: no assertion criteria provided. Collection method: clinical testing. Allele origin: germline. Not counted in ClinVar's aggregate classification.